The following is an entry in ClinVar:

NM_015164.4(PLEKHM2):c.703G>C (p.Asp235His)

Gene: PLEKHM2 (pleckstrin homology and RUN domain containing M2; plus strand). Cytogenetic location: 1p36.21.
Variant type: single nucleotide variant.
Coding change: c.703G>C on transcript NM_015164.4 (MANE Select); coding-DNA position 703, G replaced by C.
Protein change: p.Asp235His; replaces aspartic acid 235 with histidine.
Molecular consequence: missense variant.
Genome position (GRCh38, 1-based): chr1:15,721,379, G>C. VCF-style: chr1-15721379-G-C. GRCh37 (hg19) VCF-style: chr1-16047874-G-C.
Other names: short protein forms D235H.
Identifiers: ClinVar variation 544342 (VCV000544342.7), dbSNP rs1553160375, ClinGen allele CA338582198.

ClinVar aggregate classification (germline): Uncertain significance. Review status: criteria provided, multiple submitters, no conflicts (2 of 4 stars). 2 submissions from 2 submitters: Uncertain significance (2). Last evaluated 2025-08-23.

Allele frequency attached by ClinVar (database versions not stated): TOPMed below 0.00001.
gnomAD v4.1: 1 of 1,566,720 alleles (0.000064%); highest among the groups gnomAD compares: Non-Finnish European, 0.000087%; no homozygotes.

Submissions (2):

Ambry Genetics
Classification: Uncertain significance. Last evaluated: 2025-08-23. Review status: criteria provided, single submitter. Criteria: Ambry Variant Classification Scheme 2023. Collection method: clinical testing. Allele origin: germline.

Labcorp Genetics (formerly Invitae), Labcorp
Classification: Uncertain significance. Last evaluated: 2022-03-23. Review status: criteria provided, single submitter. Criteria: Invitae Variant Classification Sherloc (09022015). Collection method: clinical testing. Allele origin: germline.
Comment: In summary, the available evidence is currently insufficient to determine the role of this variant in disease. Therefore, it has been classified as a Variant of Uncertain Significance. Algorithms developed to predict the effect of missense changes on protein structure and function are either unavailable or do not agree on the potential impact of this missense change (SIFT: "Tolerated"; PolyPhen-2: "Possibly Damaging"; Align-GVGD: "Class C0"). ClinVar contains an entry for this variant (Variation ID: 544342). This variant has not been reported in the literature in individuals affected with PLEKHM2-related conditions. This variant is not present in population databases (gnomAD no frequency). This sequence change replaces aspartic acid, which is acidic and polar, with histidine, which is basic and polar, at codon 235 of the PLEKHM2 protein (p.Asp235His).